The following is an entry in ClinVar:

ClinVar aggregate classification (germline): Likely benign (1 of 4 stars; one submission).

Submission:

CeGaT Center for Human Genetics Tuebingen
Classification: Likely benign. Last evaluated: 2025-12-01. Review status: criteria provided, single submitter. Criteria: CeGaT Center For Human Genetics Tuebingen Variant Classification Criteria Version 2. Collection method: clinical testing. Allele origin: germline. Affected: yes. Observed: 1 variant allele.
Comment: FGFR1: BS1

NM_023110.3(FGFR1):c.-89+1078G>T

Gene: FGFR1 (fibroblast growth factor receptor 1; minus strand). Cytogenetic location: 8p11.23.
Variant type: single nucleotide variant.
Coding change: c.-89+1078G>T on transcript NM_023110.3 (MANE Select); 1078 bases into the intron after 89 bases upstream of the start codon, G replaced by T.
Molecular consequence: intron variant.
Genome position (GRCh38, 1-based): chr8:38,466,903, C>A on the plus strand (G>T on the coding strand, the complement: FGFR1 is on the minus strand). VCF-style: chr8-38466903-C-A. GRCh37 (hg19) VCF-style: chr8-38324421-C-A.
Other names: c.-89+1078G>T (NM_001354368.2, NM_001354370.2, NM_023106.3 and 4 more transcripts); c.-181+1078G>T (NM_001174064.2); c.-89+769G>T (NM_001174066.2, NM_001354369.2, NM_001410922.1 and 1 more transcripts); c.-150+769G>T (NM_001174067.2).
Identifiers: ClinVar variation 4681496 (VCV004681496.5).